The following is an entry in ClinVar:

ClinVar aggregate classification (germline): Uncertain significance. Review status: criteria provided, multiple submitters, no conflicts (2 of 4 stars). 2 submissions from 2 submitters: Uncertain significance (2). Last evaluated 2025-09-28.

Allele frequency attached by ClinVar (database versions not stated): gnomAD exomes 0.00001; TOPMed 0.00001; gnomAD 0.00002.
gnomAD v4.1: 22 of 1,613,576 alleles (0.0014%); highest among the groups gnomAD compares: Admixed American, 0.005%; no homozygotes.

Submissions (2):

Ambry Genetics
Classification: Uncertain significance. Last evaluated: 2025-09-28. Review status: criteria provided, single submitter. Criteria: Ambry Variant Classification Scheme 2023. Collection method: clinical testing. Allele origin: germline.

Labcorp Genetics (formerly Invitae), Labcorp
Classification: Uncertain significance. Last evaluated: 2023-04-11. Review status: criteria provided, single submitter. Criteria: Invitae Variant Classification Sherloc (09022015). Collection method: clinical testing. Allele origin: germline.
Comment: This sequence change replaces arginine, which is basic and polar, with histidine, which is basic and polar, at codon 322 of the CXCR2 protein (p.Arg322His). In summary, the available evidence is currently insufficient to determine the role of this variant in disease. Therefore, it has been classified as a Variant of Uncertain Significance. An algorithm developed to predict the effect of missense changes on protein structure and function (PolyPhen-2) suggests that this variant is likely to be disruptive. ClinVar contains an entry for this variant (Variation ID: 1933615). This variant has not been reported in the literature in individuals affected with CXCR2-related conditions. This variant is present in population databases (rs201872950, gnomAD 0.003%).

NM_001557.4(CXCR2):c.965G>A (p.Arg322His)

Gene: CXCR2 (C-X-C motif chemokine receptor 2; plus strand). Cytogenetic location: 2q35.
Variant type: single nucleotide variant.
Coding change: c.965G>A on transcript NM_001557.4 (MANE Select); coding-DNA position 965, G replaced by A.
Protein change: p.Arg322His; replaces arginine 322 with histidine.
Molecular consequence: missense variant.
Genome position (GRCh38, 1-based): chr2:218,135,766, G>A. VCF-style: chr2-218135766-G-A. GRCh37 (hg19) VCF-style: chr2-219000489-G-A.
Other names: c.965G>A, p.Arg322His (NM_001168298.2); c.965G>A (NM_001557.3); short protein forms R322H.
Identifiers: ClinVar variation 1933615 (VCV001933615.6), dbSNP rs201872950, ClinGen allele CA2101821.
Genomic context (GRCh38, chr2:218,135,766, plus strand): 5'-TGGGCATCCTTCACAGCTGCCTCAACCCCCTCATCTACGCCTTCATTGGCCAGAAGTTTC[G>A]CCATGGACTCCTCAAGATTCTAGCTATACATGGCTTGATCAGCAAGGACTCCCTGCCCAA-3'
Protein context (NP_001548.1, residues 312-332): LIYAFIGQKF[Arg322His]HGLLKILAIH